The following is an entry in ClinVar:

NM_004946.3(DOCK2):c.5402A>G (p.Lys1801Arg)

Gene: DOCK2 (dedicator of cytokinesis 2; plus strand). Cytogenetic location: 5q35.1.
Variant type: single nucleotide variant.
Coding change: c.5402A>G on transcript NM_004946.3 (MANE Select); coding-DNA position 5402, A replaced by G.
Protein change: p.Lys1801Arg; replaces lysine 1801 with arginine.
Molecular consequence: missense variant. On other transcripts: non-coding transcript variant (1).
Genome position (GRCh38, 1-based): chr5:170,081,956, A>G. VCF-style: chr5-170081956-A-G. GRCh37 (hg19) VCF-style: chr5-169508960-A-G.
Other names: short protein forms K1801R.
Identifiers: ClinVar variation 1000384 (VCV001000384.7), dbSNP rs143896166, ClinGen allele CA3554868.

ClinVar aggregate classification (germline): Uncertain significance (1 of 4 stars; one submission).

Conditions:
DOCK2 deficiency. Also called: Immunodeficiency 40. Identifiers: Orphanet 447737, MedGen C4225328, MONDO:0014637, OMIM 616433.

Allele frequency attached by ClinVar (database versions not stated): ExAC 0.00006; TOPMed 0.00017; ESP Exome Variant Server 0.00023; 1000 Genomes Project 0.00040; 1000 Genomes Project 30x 0.00062.
gnomAD v4.1: 46 of 1,614,158 alleles (0.0028%); highest among the groups gnomAD compares: African/African-American, 0.035%; no homozygotes.

Submission:

Labcorp Genetics (formerly Invitae), Labcorp
Classification: Uncertain significance for DOCK2 deficiency. Last evaluated: 2023-05-22. Review status: criteria provided, single submitter. Criteria: Invitae Variant Classification Sherloc (09022015). Collection method: clinical testing. Allele origin: germline.
Comment: This sequence change replaces lysine, which is basic and polar, with arginine, which is basic and polar, at codon 1801 of the DOCK2 protein (p.Lys1801Arg). This variant is present in population databases (rs143896166, gnomAD 0.05%). This variant has not been reported in the literature in individuals affected with DOCK2-related conditions. ClinVar contains an entry for this variant (Variation ID: 1000384). An algorithm developed to predict the effect of missense changes on protein structure and function (PolyPhen-2) suggests that this variant¬† is likely to be tolerated. In summary, the available evidence is currently insufficient to determine the role of this variant in disease. Therefore, it has been classified as a Variant of Uncertain Significance.